The following is an entry in ClinVar:

ClinVar aggregate classification (germline): Uncertain significance (1 of 4 stars; one submission).

gnomAD v4.1: 1 of 1,204,808 alleles (0.000083%); highest among the groups gnomAD compares: Admixed American, 0.0022%; no homozygotes.

Submission:

GeneDx
Classification: Uncertain significance. Last evaluated: 2025-08-11. Review status: criteria provided, single submitter. Criteria: GeneDx Variant Classification Process June 2021. Collection method: clinical testing. Allele origin: germline. Affected: yes.
Comment: Has not been previously published as pathogenic or benign to our knowledge; Not observed at significant frequency in large population cohorts (gnomAD); In silico analysis supports that this missense variant has a deleterious effect on protein structure/function

NM_031407.7(HUWE1):c.12563A>T (p.Asp4188Val)

Gene: HUWE1 (HECT, UBA and WWE domain containing E3 ubiquitin protein ligase 1; minus strand). Cytogenetic location: Xp11.22.
Variant type: single nucleotide variant.
Coding change: c.12563A>T on transcript NM_031407.7 (MANE Select); coding-DNA position 12563, A replaced by T.
Protein change: p.Asp4188Val; replaces aspartic acid 4188 with valine.
Molecular consequence: missense variant.
Genome position (GRCh38, 1-based): chrX:53,535,470, T>A on the plus strand (A>T on the coding strand, the complement: HUWE1 is on the minus strand). VCF-style: chrX-53535470-T-A. GRCh37 (hg19) VCF-style: chrX-53562431-T-A.
Other names: c.12515A>T, p.Asp4172Val (NM_001441048.1, NM_001441053.1, NM_001441058.1); c.12518A>T, p.Asp4173Val (NM_001441049.1, NM_001441054.1); c.12539A>T, p.Asp4180Val (NM_001441050.1, NM_001441055.1); c.12560A>T, p.Asp4187Val (NM_001441051.1, NM_001441056.1); c.12161A>T, p.Asp4054Val (NM_001441052.1); c.12563A>T, p.Asp4188Val (NM_001441057.1); short protein forms D4054V, D4172V, D4180V, D4187V, D4188V, D4173V.
Identifiers: ClinVar variation 4795413 (VCV004795413.1).